The following is an entry in ClinVar:

ClinVar aggregate classification (germline): Likely benign. Review status: criteria provided, multiple submitters, no conflicts (2 of 4 stars). 3 submissions from 3 submitters: Likely benign (2). 1 of the submissions does not count toward it. Last evaluated 2026-01-19.

Conditions:
ABCA3-related disorder. Also called: ABCA3-related condition.
Hereditary pulmonary alveolar proteinosis. Also called: Pulmonary surfactant metabolism dysfunction. Identifiers: Orphanet 264675, MedGen C3711368, MONDO:0012580.

Allele frequency attached by ClinVar (database versions not stated): TOPMed 0.00003; gnomAD 0.00003; ExAC 0.00001; gnomAD exomes 0.00013.
gnomAD v4.1: 185 of 1,613,746 alleles (0.011%); highest among the groups gnomAD compares: Non-Finnish European, 0.016%; no homozygotes.

Submissions (3):

Labcorp Genetics (formerly Invitae), Labcorp
Classification: Likely benign. Last evaluated: 2026-01-19. Review status: criteria provided, single submitter. Criteria: Invitae Variant Classification Sherloc (09022015). Collection method: clinical testing. Allele origin: germline.

Ambry Genetics
Classification: Likely benign for Hereditary pulmonary alveolar proteinosis. Last evaluated: 2015-10-13. Review status: criteria provided, single submitter. Criteria: Ambry Variant Classification Scheme 2023. Collection method: clinical testing. Allele origin: germline.

PreventionGenetics, part of Exact Sciences
Classification: Likely benign for ABCA3-related condition. Last evaluated: 2019-11-21. Review status: no assertion criteria provided. Collection method: clinical testing. Allele origin: germline. Not counted in ClinVar's aggregate classification.
Comment: This variant is classified as likely benign based on ACMG/AMP sequence variant interpretation guidelines (Richards et al. 2015 PMID: 25741868, with internal and published modifications).

NM_001089.3(ABCA3):c.1704C>T (p.Asn568=)

Gene: ABCA3 (ATP binding cassette subfamily A member 3; minus strand). Cytogenetic location: 16p13.3.
Variant type: single nucleotide variant.
Coding change: c.1704C>T on transcript NM_001089.3 (MANE Select); coding-DNA position 1704, C replaced by T.
Protein change: p.Asn568=; no amino-acid change (asparagine 568 retained).
Molecular consequence: synonymous variant.
Genome position (GRCh38, 1-based): chr16:2,299,440, G>A on the plus strand (C>T on the coding strand, the complement: ABCA3 is on the minus strand). VCF-style: chr16-2299440-G-A. GRCh37 (hg19) VCF-style: chr16-2349441-G-A.
Identifiers: ClinVar variation 1778410 (VCV001778410.6), dbSNP rs763684989, ClinGen allele CA7841135.